The following is an entry in ClinVar:

NM_005333.5(HCCS):c.654C>T (p.Cys218=)

Gene: HCCS (holocytochrome c synthase; plus strand). Cytogenetic location: Xp22.2.
Variant type: single nucleotide variant.
Coding change: c.654C>T on transcript NM_005333.5 (MANE Select); coding-DNA position 654, C replaced by T.
Protein change: p.Cys218=; no amino-acid change (cysteine 218 retained).
Molecular consequence: synonymous variant.
Genome position (GRCh38, 1-based): chrX:11,121,657, C>T. VCF-style: chrX-11121657-C-T. GRCh37 (hg19) VCF-style: chrX-11139777-C-T.
Other names: c.654C>T, p.Cys218= (NM_001122608.3, NM_001171991.3).
Identifiers: ClinVar variation 2153671 (VCV002153671.26), dbSNP rs775880525, ClinGen allele CA10347881.
Genomic context (GRCh38, chrX:11,121,657, plus strand): 5'-ATGTTTTTATTCCAGGTATGAGTTGCCTTTTGATAGGCACGATTGGATCATAAACCGTTG[C>T]GGGACAGAAGTTAGATATGTGATTGATTATTATGATGGTGGTGAAGTCAACAAGGACTAC-3'
Protein context (NP_005324.3, residues 208-228): FDRHDWIINR[Cys218=]GTEVRYVIDY

ClinVar aggregate classification (germline): Benign/Likely benign. Review status: criteria provided, multiple submitters, no conflicts (2 of 4 stars). 2 submissions from 2 submitters: Benign (1); Likely benign (1). Last evaluated 2026-05-01.

Allele frequency attached by ClinVar (database versions not stated): gnomAD 0.00001; gnomAD exomes 0.00005; TOPMed 0.00005; ExAC 0.00007.
gnomAD v4.1: 58 of 1,208,276 alleles (0.0048%); highest among the groups gnomAD compares: Middle Eastern, 0.046%; no homozygotes.

Submissions (2):

CeGaT Center for Human Genetics Tuebingen
Classification: Likely benign. Last evaluated: 2026-05-01. Review status: criteria provided, single submitter. Criteria: CeGaT Center For Human Genetics Tuebingen Variant Classification Criteria Version 2. Collection method: clinical testing. Allele origin: germline. Affected: yes. Observed: 2 variant alleles.
Comment: HCCS: BP4, BP7, BS2

Labcorp Genetics (formerly Invitae), Labcorp
Classification: Benign. Last evaluated: 2022-07-24. Review status: criteria provided, single submitter. Criteria: Invitae Variant Classification Sherloc (09022015). Collection method: clinical testing. Allele origin: germline.